The following is an entry in ClinVar:

NM_002474.3(MYH11):c.812C>T (p.Ala271Val)

Gene: MYH11 (myosin heavy chain 11; minus strand). Cytogenetic location: 16p13.11.
Variant type: single nucleotide variant.
Coding change: c.812C>T on transcript NM_002474.3 (MANE Select); coding-DNA position 812, C replaced by T.
Protein change: p.Ala271Val; replaces alanine 271 with valine.
Molecular consequence: missense variant.
Genome position (GRCh38, 1-based): chr16:15,776,155, G>A on the plus strand (C>T on the coding strand, the complement: MYH11 is on the minus strand). VCF-style: chr16-15776155-G-A. GRCh37 (hg19) VCF-style: chr16-15870012-G-A.
Other names: c.833C>T, p.Ala278Val (NM_001040113.2, NM_001040114.2); c.812C>T, p.Ala271Val (NM_022844.3); short protein forms A271V, A278V.
Identifiers: ClinVar variation 3625989 (VCV003625989.2).

ClinVar aggregate classification (germline): Uncertain significance (1 of 4 stars; one submission).

Conditions:
Aortic aneurysm, familial thoracic 4 (AAT4). Also called: AORTIC ANEURYSM/AORTIC DISSECTION AND PATENT DUCTUS ARTERIOSUS. Identifiers: MedGen C1851504, MONDO:0007568, OMIM 132900.

gnomAD v4.1: 1 of 1,613,906 alleles (0.000062%); highest among the groups gnomAD compares: Non-Finnish European, 0.000085%; no homozygotes.

Submission:

Labcorp Genetics (formerly Invitae), Labcorp
Classification: Uncertain significance for Aortic aneurysm, familial thoracic 4. Last evaluated: 2024-03-04. Review status: criteria provided, single submitter. Criteria: Invitae Variant Classification Sherloc (09022015). Collection method: clinical testing. Allele origin: germline.
Comment: This sequence change replaces alanine, which is neutral and non-polar, with valine, which is neutral and non-polar, at codon 278 of the MYH11 protein (p.Ala278Val). This variant is not present in population databases (gnomAD no frequency). This missense change has been observed in individual(s) with clinical features of thoracic aortic aneurysm and dissection (Invitae). Advanced modeling of protein sequence and biophysical properties (such as structural, functional, and spatial information, amino acid conservation, physicochemical variation, residue mobility, and thermodynamic stability) performed at Invitae indicates that this missense variant is not expected to disrupt MYH11 protein function with a negative predictive value of 95%. In summary, the available evidence is currently insufficient to determine the role of this variant in disease. Therefore, it has been classified as a Variant of Uncertain Significance.